The following is an entry in ClinVar:

NM_006567.5(FARS2):c.752T>C (p.Met251Thr)

Gene: FARS2 (phenylalanyl-tRNA synthetase 2, mitochondrial; plus strand). Cytogenetic location: 6p25.1.
Variant type: single nucleotide variant.
Coding change: c.752T>C on transcript NM_006567.5 (MANE Select); coding-DNA position 752, T replaced by C.
Protein change: p.Met251Thr; replaces methionine 251 with threonine.
Molecular consequence: missense variant.
Genome position (GRCh38, 1-based): chr6:5,404,681, T>C. VCF-style: chr6-5404681-T-C. GRCh37 (hg19) VCF-style: chr6-5404914-T-C.
Other names: c.752T>C (NM_006567.3); c.752T>C, p.Met251Thr (NM_001318872.2, NM_001374875.1, NM_001374876.1 and 5 more transcripts); c.56T>C, p.Met19Thr (NM_001375259.1, NM_001375260.1); short protein forms M19T, M251T.
Identifiers: ClinVar variation 1011870 (VCV001011870.7), dbSNP rs377582332, ClinGen allele CA3623724.
Genomic context (GRCh38, chr6:5,404,681, plus strand): 5'-ACACCATGGAGGCCGTGAAGCTTGTAGAGTTTGATCTTAAGCAAACGCTTACCAGGCTCA[T>C]GGCACATCTTTTTGGAGATGGTAAGTGCTCAAACACAGGTTGACGATCTCTTATCTGAAA-3'
Protein context (NP_006558.1, residues 241-261): FDLKQTLTRL[Met251Thr]AHLFGDELEI

ClinVar aggregate classification (germline): Uncertain significance. Review status: criteria provided, multiple submitters, no conflicts (2 of 4 stars). 2 submissions from 2 submitters: Uncertain significance (2). Last evaluated 2026-01-26.

Conditions:
Inborn genetic diseases. Identifiers: MedGen C0950123, MeSH D030342.
Combined oxidative phosphorylation defect type 14. Also called: Combined oxidative phosphorylation deficiency 14. Identifiers: Orphanet 319519, MedGen C4755312, MONDO:0013986, OMIM 614946.

Allele frequency attached by ClinVar (database versions not stated): gnomAD 0.00001; gnomAD exomes 0.00001 and 0.00003; ExAC 0.00002; TOPMed 0.00002; ESP Exome Variant Server 0.00008.
gnomAD v4.1: 38 of 1,598,300 alleles (0.0024%); highest among the groups gnomAD compares: Non-Finnish European, 0.003%; no homozygotes.

Submissions (2):

Labcorp Genetics (formerly Invitae), Labcorp
Classification: Uncertain significance for Combined oxidative phosphorylation defect type 14. Last evaluated: 2026-01-26. Review status: criteria provided, single submitter. Criteria: Invitae Variant Classification Sherloc (09022015). Collection method: clinical testing. Allele origin: germline.
Comment: This sequence change replaces methionine, which is neutral and non-polar, with threonine, which is neutral and polar, at codon 251 of the FARS2 protein (p.Met251Thr). This variant is present in population databases (rs377582332, gnomAD 0.002%). This variant has not been reported in the literature in individuals affected with FARS2-related conditions. ClinVar contains an entry for this variant (Variation ID: 1011870). Invitae Evidence Modeling of protein sequence and biophysical properties (such as structural, functional, and spatial information, amino acid conservation, physicochemical variation, residue mobility, and thermodynamic stability) indicates that this missense variant is not expected to disrupt FARS2 protein function with a negative predictive value of 80%. In summary, the available evidence is currently insufficient to determine the role of this variant in disease. Therefore, it has been classified as a Variant of Uncertain Significance.

Ambry Genetics
Classification: Uncertain significance for Inborn genetic diseases. Last evaluated: 2025-10-22. Review status: criteria provided, single submitter. Criteria: Ambry Variant Classification Scheme 2023. Collection method: clinical testing. Allele origin: germline.